The following is an entry in ClinVar:

NM_001734.5(C1S):c.1198G>C (p.Glu400Gln)

Gene: C1S (complement C1s; plus strand). Cytogenetic location: 12p13.31.
Variant type: single nucleotide variant.
Coding change: c.1198G>C on transcript NM_001734.5 (MANE Select); coding-DNA position 1198, G replaced by C.
Protein change: p.Glu400Gln; replaces glutamic acid 400 with glutamine.
Molecular consequence: missense variant.
Genome position (GRCh38, 1-based): chr12:7,068,458, G>C. VCF-style: chr12-7068458-G-C. GRCh37 (hg19) VCF-style: chr12-7175762-G-C.
Other names: c.697G>C, p.Glu233Gln (NM_001346850.2); c.1198G>C, p.Glu400Gln (NM_201442.4); c.1198G>C (NM_201442.2); short protein forms E233Q, E400Q.
Identifiers: ClinVar variation 992547 (VCV000992547.12), dbSNP rs150549869, ClinGen allele CA6423722.

ClinVar aggregate classification (germline): Conflicting classifications of pathogenicity. Review status: criteria provided, conflicting classifications (1 of 4 stars). 5 submissions from 5 submitters: Uncertain significance (3); Likely benign (2). Last evaluated 2026-05-18.

Conditions:
Inborn genetic diseases. Identifiers: MedGen C0950123, MeSH D030342.
Complement component C1s deficiency. Also called: C1s deficiency; Complement 1s deficiency. Identifiers: MedGen C3151078, MONDO:0013419, OMIM 613783.
Ehlers-Danlos syndrome, periodontal type 2. Identifiers: MedGen C4310681, MONDO:0014954, OMIM 617174.

Allele frequency attached by ClinVar (database versions not stated): 1000 Genomes Project 30x 0.00031; TOPMed 0.00033; ESP Exome Variant Server 0.00038.

Submissions (5):

Women's Health and Genetics/Laboratory Corporation of America, LabCorp
Classification: Uncertain significance. Last evaluated: 2026-05-18. Review status: criteria provided, single submitter. Criteria: LabCorp Variant Classification Summary - May 2015. Collection method: clinical testing. Allele origin: germline.
Comment: Variant summary: C1S c.1198G>C (p.Glu400Gln) results in a conservative amino acid change in the encoded protein sequence. Algorithms developed to predict the effect of missense changes on protein structure and function all suggest that this variant is likely to be tolerated. Consensus agreement among computation tools predict no significant impact on normal splicing. However, these predictions have yet to be confirmed by functional studies. The variant allele was found at a frequency of 0.00037 in 251380 control chromosomes. This frequency is not significantly higher than estimated for disease-causing variants in C1S, allowing no conclusion about variant significance. To our knowledge, no occurrence of c.1198G>C in individuals affected with C1S-related conditions and no experimental evidence demonstrating its impact on protein function have been reported. ClinVar contains an entry for this variant (Variation ID: 992547). Based on the evidence outlined above, the variant was classified as uncertain significance.

Labcorp Genetics (formerly Invitae), Labcorp
Classification: Uncertain significance. Last evaluated: 2026-02-01. Review status: criteria provided, single submitter. Criteria: Invitae Variant Classification Sherloc (09022015). Collection method: clinical testing. Allele origin: germline.
Comment: This sequence change replaces glutamic acid, which is acidic and polar, with glutamine, which is neutral and polar, at codon 400 of the C1S protein (p.Glu400Gln). This variant is present in population databases (rs150549869, gnomAD 0.07%). This variant has not been reported in the literature in individuals affected with C1S-related conditions. ClinVar contains an entry for this variant (Variation ID: 992547). An algorithm developed to predict the effect of missense changes on protein structure and function outputs the following: PolyPhen-2: "Benign". The glutamine amino acid residue is found in multiple mammalian species, which suggests that this missense change does not adversely affect protein function. In summary, the available evidence is currently insufficient to determine the role of this variant in disease. Therefore, it has been classified as a Variant of Uncertain Significance.

Blueprint Genetics
Classification: Likely benign. Last evaluated: 2024-11-27. Review status: criteria provided, single submitter. Criteria: ACMG Guidelines, 2015. Collection method: clinical testing. Allele origin: germline.

Ambry Genetics
Classification: Likely benign for Inborn genetic diseases. Last evaluated: 2021-12-03. Review status: criteria provided, single submitter. Criteria: Ambry Variant Classification Scheme 2023. Collection method: clinical testing. Allele origin: germline.

Center for Genomics, Ann and Robert H. Lurie Children's Hospital of Chicago
Classification: Uncertain significance for Complement component C1s deficiency; Ehlers-Danlos syndrome, periodontal type 2. Review status: criteria provided, single submitter. Criteria: ACMG Guidelines, 2015. Collection method: clinical testing. Allele origin: germline.
Comment: C1S NM_021442.3 exon 11 p.Glu400Gln (c.1198G>C): This variant has not been reported in the literature but is present in 0.07% (25/35428) of Latino alleles in the Genome Aggregation Database. This variant amino acid Glutamine (Gln) is present in 4 species (Rhesus, Crab-eating Macaque, Green Monkey, Spiny softshell turtle) and is not well conserved among evolutionarily distant species; this suggests that this variant may not impact the protein. Additional computational prediction tools do not suggest an impact. In summary, data on this variant is insufficient for disease classification. Therefore, the clinical significance of this variant is uncertain.